The following is an entry in ClinVar:

NM_001109754.4(PTPRB):c.2064C>T (p.Val688=)

Gene: PTPRB (protein tyrosine phosphatase receptor type B; minus strand). Cytogenetic location: 12q15.
Variant type: single nucleotide variant.
Coding change: c.2064C>T on transcript NM_001109754.4 (MANE Select); coding-DNA position 2064, C replaced by T.
Protein change: p.Val688=; no amino-acid change (valine 688 retained).
Molecular consequence: synonymous variant.
Genome position (GRCh38, 1-based): chr12:70,587,254, G>A on the plus strand (C>T on the coding strand, the complement: PTPRB is on the minus strand). VCF-style: chr12-70587254-G-A. GRCh37 (hg19) VCF-style: chr12-70981034-G-A.
Other names: c.1140C>T, p.Val380= (NM_001206971.3); c.1410C>T, p.Val470= (NM_001206972.3, NM_002837.6); c.2064C>T, p.Val688= (NM_001330204.2).
Identifiers: ClinVar variation 2643177 (VCV002643177.24), dbSNP rs375994788, ClinGen allele CA6684276.

ClinVar aggregate classification (germline): Likely benign (1 of 4 stars; one submission).

Allele frequency attached by ClinVar (database versions not stated): ExAC 0.00010; TOPMed 0.00010; gnomAD 0.00015; gnomAD exomes 0.00015; ESP Exome Variant Server 0.00016.
gnomAD v4.1: 244 of 1,613,746 alleles (0.015%); highest among the groups gnomAD compares: Non-Finnish European, 0.02%; no homozygotes.

Submission:

CeGaT Center for Human Genetics Tuebingen
Classification: Likely benign. Last evaluated: 2023-03-01. Review status: criteria provided, single submitter. Criteria: CeGaT Center For Human Genetics Tuebingen Variant Classification Criteria Version 2. Collection method: clinical testing. Allele origin: germline. Affected: yes. Observed: 1 variant allele.
Comment: PTPRB: BP4, BP7